The following is an entry in ClinVar:

NM_031483.7(ITCH):c.1294G>A (p.Gly432Ser)

Gene: ITCH (itchy E3 ubiquitin protein ligase; plus strand). Cytogenetic location: 20q11.22.
Variant type: single nucleotide variant.
Coding change: c.1294G>A on transcript NM_031483.7 (MANE Select); coding-DNA position 1294, G replaced by A.
Protein change: p.Gly432Ser; replaces glycine 432 with serine.
Molecular consequence: missense variant.
Genome position (GRCh38, 1-based): chr20:34,457,473, G>A. VCF-style: chr20-34457473-G-A. GRCh37 (hg19) VCF-style: chr20-33045278-G-A.
Other names: c.1417G>A, p.Gly473Ser (NM_001257137.3, NM_001324197.2); c.964G>A, p.Gly322Ser (NM_001257138.3); c.1294G>A, p.Gly432Ser (NM_001324198.2); short protein forms G432S, G322S, G473S.
Identifiers: ClinVar variation 1412520 (VCV001412520.3), dbSNP rs1205282746, ClinGen allele CA408665828.

ClinVar aggregate classification (germline): Uncertain significance (1 of 4 stars; one submission).

Conditions:
Syndromic multisystem autoimmune disease due to ITCH deficiency. Also called: AUTOIMMUNE DISEASE, MULTISYSTEM, WITH FACIAL DYSMORPHISM. Identifiers: Orphanet 228426, MedGen C3150649, MONDO:0013245, OMIM 613385.

Allele frequency attached by ClinVar (database versions not stated): gnomAD 0.00001; gnomAD exomes 0.00001; TOPMed 0.00001.
gnomAD v4.1: 12 of 1,588,734 alleles (0.00076%); highest among the groups gnomAD compares: Non-Finnish European, 0.001%; no homozygotes.

Submission:

Labcorp Genetics (formerly Invitae), Labcorp
Classification: Uncertain significance for Syndromic multisystem autoimmune disease due to ITCH deficiency. Last evaluated: 2022-02-10. Review status: criteria provided, single submitter. Criteria: Invitae Variant Classification Sherloc (09022015). Collection method: clinical testing. Allele origin: germline.
Comment: This sequence change replaces glycine, which is neutral and non-polar, with serine, which is neutral and polar, at codon 432 of the ITCH protein (p.Gly432Ser). This variant is present in population databases (no rsID available, gnomAD 0.01%). This variant has not been reported in the literature in individuals affected with ITCH-related conditions. Algorithms developed to predict the effect of missense changes on protein structure and function are either unavailable or do not agree on the potential impact of this missense change (SIFT: "Not Available"; PolyPhen-2: "Possibly Damaging"; Align-GVGD: "Not Available"). Algorithms developed to predict the effect of sequence changes on RNA splicing suggest that this variant is not likely to affect RNA splicing. In summary, the available evidence is currently insufficient to determine the role of this variant in disease. Therefore, it has been classified as a Variant of Uncertain Significance.